The following is an entry in ClinVar:

ClinVar aggregate classification (germline): Benign/Likely benign. Review status: criteria provided, multiple submitters, no conflicts (2 of 4 stars). 3 submissions from 3 submitters: Benign (1); Likely benign (1). 1 of the submissions does not count toward it. Last evaluated 2024-07-17.

Conditions:
INF2-related disorder. Also called: INF2-related condition.
Focal segmental glomerulosclerosis 5 (FSGS5). Identifiers: Orphanet 656, MedGen C2750475, MONDO:0013191, OMIM 613237.
Charcot-Marie-Tooth disease dominant intermediate E. Also called: CHARCOT-MARIE-TOOTH NEUROPATHY WITH FOCAL SEGMENTAL GLOMERULONEPHRITIS. Identifiers: Orphanet 93114, MedGen C4302667, MONDO:0013758, OMIM 614455.

Submissions (3):

Labcorp Genetics (formerly Invitae), Labcorp
Classification: Benign for Charcot-Marie-Tooth disease dominant intermediate E; Focal segmental glomerulosclerosis 5. Last evaluated: 2024-07-17. Review status: criteria provided, single submitter. Criteria: Invitae Variant Classification Sherloc (09022015). Collection method: clinical testing. Allele origin: germline.

Fulgent Genetics
Classification: Likely benign for Focal segmental glomerulosclerosis 5; Charcot-Marie-Tooth disease dominant intermediate E. Last evaluated: 2022-02-08. Review status: criteria provided, single submitter. Criteria: ACMG Guidelines, 2015. Collection method: clinical testing. Allele origin: unknown.

PreventionGenetics, part of Exact Sciences
Classification: Likely benign for INF2-related condition. Last evaluated: 2020-11-08. Review status: no assertion criteria provided. Collection method: clinical testing. Allele origin: germline. Not counted in ClinVar's aggregate classification.
Comment: This variant is classified as likely benign based on ACMG/AMP sequence variant interpretation guidelines (Richards et al. 2015 PMID: 25741868, with internal and published modifications).

NM_022489.4(INF2):c.392-13_392-9dup

Gene: INF2 (inverted formin 2; plus strand). Cytogenetic location: 14q32.33.
Variant type: Duplication.
Coding change: c.392-13_392-9dup on transcript NM_022489.4 (MANE Select); 13 bases into the intron before coding-DNA position 392 through 9 bases into the intron before coding-DNA position 392, 5 bases duplicated (TCCAC; older notation c.392-13_392-9dupTCCAC).
Molecular consequence: intron variant.
Genome position (GRCh38, 1-based): chr14:104,703,092-104,703,096, TCCAC duplicated; duplicating any 5 consecutive bases within chr14:104,703,088-104,703,096 gives the same sequence; the c. name uses the placement nearest the transcript's 3' end. VCF-style (leftmost placement, unchanged base first): chr14-104703087-C-CCCACT. GRCh37 (hg19) VCF-style: chr14-105169424-C-CCCACT.
Other names: c.392-13_392-9dup5 (NM_022489.3); c.392-13_392-9dup (NM_001031714.4, NM_032714.3).
Identifiers: ClinVar variation 1572414 (VCV001572414.11), dbSNP rs775575983, ClinGen allele CA7372288.